The following is an entry in ClinVar:

NM_006885.4(ZFHX3):c.10518CGG[4] (p.Gly3512del)

Genes: ZFHX3 (zinc finger homeobox 3; minus strand), ZFHX3-AS1 (ZFHX3 antisense RNA 1; plus strand). Cytogenetic location: 16q22.2.
Variant type: Microsatellite.
Coding change: c.10518CGG[4] on transcript NM_006885.4 (MANE Select); four copies in a row of the 3-base unit CGG starting at c.10518; the reference has five copies in a row; one copy, 3 bases deleted.
Protein change: p.Gly3512del; deletes glycine 3512.
Molecular consequence: inframe deletion.
Genome position (GRCh38, 1-based): chr16:72,787,744-72,787,746, CCG deleted on the plus strand (CGG on the coding strand, the reverse complement: ZFHX3 is on the minus strand); deleting any 3 consecutive bases within chr16:72,787,744-72,787,758 gives the same sequence; the position shown is the placement nearest the transcript's 3' end. VCF-style (leftmost placement, unchanged base first): chr16-72787743-ACCG-A. GRCh37 (hg19) VCF-style: chr16-72821642-ACCG-A.
Other names: c.7776CGG[4], p.Gly2598del (NM_001164766.2); c.10518CGG[4], p.Gly3512del (NM_001386735.1); short protein forms G2598del, G3512del.
Identifiers: ClinVar variation 4280734 (VCV004280734.7).

ClinVar aggregate classification (germline): Likely benign (1 of 4 stars; one submission).

Submission:

CeGaT Center for Human Genetics Tuebingen
Classification: Likely benign. Last evaluated: 2026-03-01. Review status: criteria provided, single submitter. Criteria: CeGaT Center For Human Genetics Tuebingen Variant Classification Criteria Version 2. Collection method: clinical testing. Allele origin: germline. Affected: yes. Observed: 2 variant alleles.
Comment: ZFHX3: BS1